The following is an entry in ClinVar:

ClinVar aggregate classification (germline): Pathogenic. Review status: reviewed by expert panel (3 of 4 stars). 3 submissions from 3 submitters: Pathogenic (1). 2 of the submissions do not count toward it. Last evaluated 2025-05-19.

Conditions:
Juvenile retinoschisis (RS1). Also called: X-Linked Juvenile Retinoschisis; X-linked retinoschisis. Identifiers: Orphanet 792, MedGen C3714753, MONDO:0010725, OMIM 312700.

Submissions (3):

ClinGen X-linked Inherited Retinal Disease Variant Curation Expert Panel, ClinGen
Classification: Pathogenic for Juvenile retinoschisis. Last evaluated: 2025-05-19. Review status: reviewed by expert panel. Criteria: ClinGen X LinkedIRD ACMG Specifications RS1 V1.0.0. Collection method: curation. Allele origin: germline. Inheritance: X-linked inheritance.
Comment: The NM_000330.4(RS1):c.668G>A variant is a missense variant encoding the substitution of Cysteine with Tyrosine at position 223. This variant is absent from hemizygous individuals in gnomAD v4.1.0 (PM2_Supporting). The computational predictor REVEL gives a score of 0.966, which is above the ClinGen X-linked IRD VCEP threshold of >0.932 and predicts a damaging effect on RS1 function (PP3_strong). The computational splicing predictor SpliceAI gives a delta score of 0.01 for acceptor gain, which is below the ClinGen X-linked IRD VCEP threshold of >0.2 and does not predict that the variant disrupts RS1 splicing. The variant has been reported to segregate with retinal dystrophy through 1 meiosis in a family consisting of a mother and an affected son, however, the mother was apparently unaffected so PP1 was not met (PMID: 38317323). At least one proband harboring this variant exhibits a phenotype including the appearance of schisis and reduced visual acuity before age 13 years, which together are specific for X-linked retinoschisis (PMID: 22245991, PP4). This variant has been reported in at least 3 apparently unrelated probands meeting the PS4 requirement of a male diagnosed with X-linked retinoschisis (PMIDs: 20061330, 38317323, 39293640, PS4_moderate). This variant p.Cys223Tyr disrupts a site defined as a critical amino acid residue involved in disulfide bridge formation by the ClinGen X-linked IRD VCEP (PMIDs: 26812435). The PM1_strong code is ineligible to be used in combination with the PP3 code, and therefore, this code was not met. Another missense variant in the same codon, NM_000330.4(RS1):c.667T>C (p.Cys223Arg), (PMIDs: 34645606, 10533068, 30652005, 33460243, 16361673) has been classified as pathogenic for X-linked retinoschisis by the ClinGen X-linked IRD VCEP, while no benign missense variants have been identified in this codon. The present variant has a higher Grantham’s distance (194) than the comparison variant (180), and SpliceAI has been used to confirm that neither variant has a predicted impact on RS1 splicing (PM5). In summary, this variant is classified as pathogenic for X-linked retinoschisis based on the ClinGen X-linked Inherited Retinal Disease Expert Panel Specifications to the ACMG/AMP Variant Interpretation Guidelines for RS1 Version 1.0.0: PM2_supporting, PP3_strong, PP4, PM5, and PS4_moderate (date of approval 01/24/2025).

Labcorp Genetics (formerly Invitae), Labcorp
Classification: Pathogenic. Last evaluated: 2025-09-09. Review status: criteria provided, single submitter. Criteria: Invitae Variant Classification Sherloc (09022015). Collection method: clinical testing. Allele origin: germline. Not counted in ClinVar's aggregate classification.
Comment: This sequence change replaces cysteine, which is neutral and slightly polar, with tyrosine, which is neutral and polar, at codon 223 of the RS1 protein (p.Cys223Tyr). This variant is not present in population databases (gnomAD no frequency). This missense change has been observed in individuals with retinoschisis (PMID: 20061330, 22245991). ClinVar contains an entry for this variant (Variation ID: 372497). Invitae Evidence Modeling of protein sequence and biophysical properties (such as structural, functional, and spatial information, amino acid conservation, physicochemical variation, residue mobility, and thermodynamic stability) indicates that this missense variant is expected to disrupt RS1 protein function with a positive predictive value of 95%. Algorithms developed to predict the effect of sequence changes on RNA splicing suggest that this variant may create or strengthen a splice site. This variant disrupts the p.Cys223 amino acid residue in RS1. Other variant(s) that disrupt this residue have been determined to be pathogenic (PMID: 10533068, 16361673, 30652005; internal data). This suggests that this residue is clinically significant, and that variants that disrupt this residue are likely to be disease-causing. For these reasons, this variant has been classified as Pathogenic.

GeneDx
Classification: Pathogenic. Last evaluated: 2015-09-17. Review status: criteria provided, single submitter. Criteria: GeneDx Variant Classification (06012015). Collection method: clinical testing. Allele origin: germline. Affected: yes. Not counted in ClinVar's aggregate classification.
Comment: The C223Y missense variant in the RS1 gene has been reported previously in association with X-linked juvenile retinoschisis (Sergeev et al., 2010). Molecular modeling indicated that the C223Y substitution breaks a disulfide bond within the discoidin domain of the protein, decreasing stability of this domain and possibly affecting protein conformation (Sergeev et al., 2010). Therefore, we interpret C223Y as a pathogenic variant.

Literature cited by the submitters: PubMed 20061330 (cited by Labcorp Genetics (formerly Invitae), Labcorp); PubMed 22245991 (cited by Labcorp Genetics (formerly Invitae), Labcorp); PubMed 10533068 (cited by Labcorp Genetics (formerly Invitae), Labcorp); PubMed 16361673 (cited by Labcorp Genetics (formerly Invitae), Labcorp); PubMed 30652005 (cited by Labcorp Genetics (formerly Invitae), Labcorp).

NM_000330.4(RS1):c.668G>A (p.Cys223Tyr)

Genes: CDKL5 (cyclin dependent kinase like 5; plus strand), RS1 (retinoschisin 1; minus strand). Cytogenetic location: Xp22.13.
Variant type: single nucleotide variant.
Coding change: c.668G>A on transcript NM_000330.4 (MANE Select); coding-DNA position 668, G replaced by A.
Protein change: p.Cys223Tyr; replaces cysteine 223 with tyrosine.
Molecular consequence: missense variant. On other transcripts: intron variant (2).
Genome position (GRCh38, 1-based): chrX:18,642,011, C>T on the plus strand (G>A on the coding strand, the complement: RS1 is on the minus strand). VCF-style: chrX-18642011-C-T. GRCh37 (hg19) VCF-style: chrX-18660131-C-T.
Other names: NM_000330.4(RS1):c.668G>A; p.Cys223Tyr; c.2714-3996C>T (NM_003159.3, NM_001037343.2); short protein forms C223Y.
Identifiers: ClinVar variation 372497 (VCV000372497.10), dbSNP rs1057517816, ClinGen allele CA16043215.